The following is an entry in ClinVar:

NC_000005.9:g.(?_151266262)_(151266369_?)del

Gene: GLRA1 (glycine receptor alpha 1; minus strand). Cytogenetic location: 5q33.1.
Variant type: Deletion.
Identifiers: ClinVar variation 1076337 (VCV001076337.5).

ClinVar aggregate classification (germline): Pathogenic (1 of 4 stars; one submission).

Conditions:
Hereditary hyperekplexia. Identifiers: Orphanet 3197, MedGen C4084968, MONDO:0021022.

Submission:

Labcorp Genetics (formerly Invitae), Labcorp
Classification: Pathogenic for Hereditary hyperekplexia. Last evaluated: 2022-11-08. Review status: criteria provided, single submitter. Criteria: Invitae Variant Classification Sherloc (09022015). Collection method: clinical testing. Allele origin: germline.
Comment: For these reasons, this variant has been classified as Pathogenic. This variant has not been reported in the literature in individuals affected with GLRA1-related conditions. This variant is a gross deletion of the genomic region encompassing exon(s) 3 of the GLRA1 gene. This deletion is out-of-frame, and is expected to create a premature termination codon and result in an absent or disrupted protein product. Loss-of-function variants in GLRA1 are known to be pathogenic (PMID: 20631190, 24108130).

Literature cited by the submitters: PubMed 20631190; PubMed 24108130.